The following is an entry in ClinVar:

NM_021193.4(HOXD12):c.304G>C (p.Ala102Pro)

Gene: HOXD12 (homeobox D12; plus strand). Cytogenetic location: 2q31.1.
Variant type: single nucleotide variant.
Coding change: c.304G>C on transcript NM_021193.4 (MANE Select); coding-DNA position 304, G replaced by C.
Protein change: p.Ala102Pro; replaces alanine 102 with proline.
Molecular consequence: missense variant.
Genome position (GRCh38, 1-based): chr2:176,100,105, G>C. VCF-style: chr2-176100105-G-C. GRCh37 (hg19) VCF-style: chr2-176964833-G-C.
Other names: short protein forms A102P.
Identifiers: ClinVar variation 2207873 (VCV002207873.4), dbSNP rs558043201, ClinGen allele CA1976818.

ClinVar aggregate classification (germline): Uncertain significance. Review status: criteria provided, single submitter (1 of 4 stars). 2 submissions from 2 submitters: Uncertain significance (1). 1 of the submissions does not count toward it. Last evaluated 2025-10-22.

Conditions:
HOXD12-related disorder. Also called: HOXD12-related condition.

Allele frequency attached by ClinVar (database versions not stated): gnomAD exomes 0.00002; ExAC 0.00004; 1000 Genomes Project 0.00020; 1000 Genomes Project 30x 0.00016; gnomAD 0.00017; TOPMed 0.00022.

Submissions (2):

Ambry Genetics
Classification: Uncertain significance. Last evaluated: 2025-10-22. Review status: criteria provided, single submitter. Criteria: Ambry Variant Classification Scheme 2023. Collection method: clinical testing. Allele origin: germline.

PreventionGenetics, part of Exact Sciences
Classification: Uncertain significance for HOXD12-related condition. Last evaluated: 2024-08-24. Review status: no assertion criteria provided. Collection method: clinical testing. Allele origin: germline. Not counted in ClinVar's aggregate classification.
Comment: The HOXD12 c.304G>C variant is predicted to result in the amino acid substitution p.Ala102Pro. To our knowledge, this variant has not been reported in the literature. This variant is reported in 0.059% of alleles in individuals of African descent in gnomAD. Although we suspect that this variant may be benign, at this time, the clinical significance of this variant is uncertain due to the absence of conclusive functional and genetic evidence.